The following is an entry in ClinVar:

NM_001369.3(DNAH5):c.3675C>A (p.Tyr1225Ter)

Genes: DNAH5 (dynein axonemal heavy chain 5; minus strand), DNAH5-AS1 (DNAH5 antisense RNA 1; plus strand). Cytogenetic location: 5p15.2.
Variant type: single nucleotide variant.
Coding change: c.3675C>A on transcript NM_001369.3 (MANE Select); coding-DNA position 3675, C replaced by A.
Protein change: p.Tyr1225Ter; replaces tyrosine 1225 with a stop codon.
Molecular consequence: nonsense.
Genome position (GRCh38, 1-based): chr5:13,870,926, G>T on the plus strand (C>A on the coding strand, the complement: DNAH5 is on the minus strand). VCF-style: chr5-13870926-G-T. GRCh37 (hg19) VCF-style: chr5-13871035-G-T.
Other names: short protein forms Y1225*.
Identifiers: ClinVar variation 4736262 (VCV004736262.1).
Genomic context (GRCh38, chr5:13,870,926, plus strand): 5'-ACGATTTAGTTTCTTATTGAATTCTTCAATAAGCATAAAAATGTTTTCCATCTCACTCCG[G>T]TATTTTTTGTTACAGTGGCGTCCAATGACAACCATCCAGGCCTTTGTCTCAGCAGTCAGG-3'

ClinVar aggregate classification (germline): Pathogenic (1 of 4 stars; one submission).

Conditions:
Primary ciliary dyskinesia. Also called: Ciliary dyskinesia. Identifiers: Orphanet 244, MedGen C0008780, MONDO:0016575, HP:0012265.

Submission:

Labcorp Genetics (formerly Invitae), Labcorp
Classification: Pathogenic for Primary ciliary dyskinesia. Last evaluated: 2026-02-01. Review status: criteria provided, single submitter. Criteria: Invitae Variant Classification Sherloc (09022015). Collection method: clinical testing. Allele origin: germline.
Comment: This sequence change creates a premature translational stop signal (p.Tyr1225*) in the DNAH5 gene. It is expected to result in an absent or disrupted protein product. Loss-of-function variants in DNAH5 are known to be pathogenic (PMID: 11788826, 16627867). This variant is not present in population databases (gnomAD no frequency). This variant has not been reported in the literature in individuals affected with DNAH5-related conditions. For these reasons, this variant has been classified as Pathogenic.

Literature cited by the submitters: PubMed 11788826; PubMed 16627867.